The following is an entry in ClinVar:

ClinVar aggregate classification (germline): Uncertain significance (1 of 4 stars; one submission).

gnomAD v4.1: 3 of 1,587,634 alleles (0.00019%); highest among the groups gnomAD compares: Admixed American, 0.0054%; no homozygotes.

Submission:

Labcorp Genetics (formerly Invitae), Labcorp
Classification: Uncertain significance. Last evaluated: 2025-03-27. Review status: criteria provided, single submitter. Criteria: Invitae Variant Classification Sherloc (09022015). Collection method: clinical testing. Allele origin: germline.
Comment: This sequence change replaces arginine, which is basic and polar, with serine, which is neutral and polar, at codon 1123 of the ABCA3 protein (p.Arg1123Ser). This variant is present in population databases (rs559180330, gnomAD 0.004%). This missense change has been observed in individual(s) with suspected surfactant metabolism disorders (PMID: 36324278). Invitae Evidence Modeling of protein sequence and biophysical properties (such as structural, functional, and spatial information, amino acid conservation, physicochemical variation, residue mobility, and thermodynamic stability) indicates that this missense variant is not expected to disrupt ABCA3 protein function with a negative predictive value of 80%. In summary, the available evidence is currently insufficient to determine the role of this variant in disease. Therefore, it has been classified as a Variant of Uncertain Significance.

Literature cited by the submitters: PubMed 36324278.

NM_001089.3(ABCA3):c.3369G>C (p.Arg1123Ser)

Gene: ABCA3 (ATP binding cassette subfamily A member 3; minus strand). Cytogenetic location: 16p13.3.
Variant type: single nucleotide variant.
Coding change: c.3369G>C on transcript NM_001089.3 (MANE Select); coding-DNA position 3369, G replaced by C.
Protein change: p.Arg1123Ser; replaces arginine 1123 with serine.
Molecular consequence: missense variant.
Genome position (GRCh38, 1-based): chr16:2,285,556, C>G on the plus strand (G>C on the coding strand, the complement: ABCA3 is on the minus strand). VCF-style: chr16-2285556-C-G. GRCh37 (hg19) VCF-style: chr16-2335557-C-G.
Other names: short protein forms R1123S.
Identifiers: ClinVar variation 3711862 (VCV003711862.2).
Genomic context (GRCh38, chr16:2,285,556, plus strand): 5'-GAGCCAGAAACTGGCCACGTGGACTCCACTCACAAACTGCACATGCTTGGCCTGCACGGC[C>G]CTCTCGCTGACCGCCAGGATGGAGAACGTGCTGGCCAAGAATGCCATGGCGAAGAGCAGG-3'
Protein context (NP_001080.2, residues 1113-1133): STFSILAVSE[Arg1123Ser]AVQAKHVQFV